The following is an entry in ClinVar:

NM_005602.6(CLDN11):c.601C>T (p.His201Tyr)

Gene: CLDN11 (claudin 11; plus strand). Cytogenetic location: 3q26.2.
Variant type: single nucleotide variant.
Coding change: c.601C>T on transcript NM_005602.6 (MANE Select); coding-DNA position 601, C replaced by T.
Protein change: p.His201Tyr; replaces histidine 201 with tyrosine.
Molecular consequence: missense variant.
Genome position (GRCh38, 1-based): chr3:170,432,733, C>T. VCF-style: chr3-170432733-C-T. GRCh37 (hg19) VCF-style: chr3-170150521-C-T.
Other names: c.349C>T, p.His117Tyr (NM_001185056.2); short protein forms H117Y, H201Y.
Identifiers: ClinVar variation 2654273 (VCV002654273.24), dbSNP rs1292009249, ClinGen allele CA355481197.
Genomic context (GRCh38, chr3:170,432,733, plus strand): 5'-GATGCCCAGGCCTTTGGTGAAAACCGTTTCTACTACACTGCGGGCTCTAGCTCCCCGACT[C>T]ATGCGAAGAGTGCCCACGTATAAGAGGGCTGCCCGGCTGCCCACAGAGGTGCTGTAGATG-3'
Protein context (NP_005593.2, residues 191-207): YYTAGSSSPT[His201Tyr]AKSAHV

ClinVar aggregate classification (germline): Uncertain significance (1 of 4 stars; one submission).

Allele frequency attached by ClinVar (database versions not stated): TOPMed below 0.00001.

Submission:

CeGaT Center for Human Genetics Tuebingen
Classification: Uncertain significance. Last evaluated: 2023-02-01. Review status: criteria provided, single submitter. Criteria: CeGaT Center For Human Genetics Tuebingen Variant Classification Criteria Version 2. Collection method: clinical testing. Allele origin: germline. Affected: yes. Observed: 1 variant allele.
Comment: CLDN11: PM2, PP3